The following is an entry in ClinVar:

ClinVar aggregate classification (germline): Uncertain significance. Review status: criteria provided, multiple submitters, no conflicts (2 of 4 stars). 3 submissions from 3 submitters: Uncertain significance (3). Last evaluated 2023-11-11.

Conditions:
Inborn genetic diseases. Identifiers: MedGen C0950123, MeSH D030342.
Neurodevelopmental disorder with hypotonia, stereotypic hand movements, and impaired language. Also called: Intellectual disability, autosomal dominant 20. Identifiers: Orphanet 228384, Orphanet 664410, MedGen C3150700, MONDO:0013266, OMIM 613443.

Allele frequency attached by ClinVar (database versions not stated): gnomAD exomes below 0.00001; TOPMed 0.00002; gnomAD 0.00003 and 0.00004.

Submissions (3):

Labcorp Genetics (formerly Invitae), Labcorp
Classification: Uncertain significance for Neurodevelopmental disorder with hypotonia, stereotypic hand movements, and impaired language. Last evaluated: 2023-11-11. Review status: criteria provided, single submitter. Criteria: Invitae Variant Classification Sherloc (09022015). Collection method: clinical testing. Allele origin: germline.
Comment: This sequence change replaces methionine, which is neutral and non-polar, with valine, which is neutral and non-polar, at codon 12 of the MEF2C protein (p.Met12Val). This variant is not present in population databases (gnomAD no frequency). This variant has not been reported in the literature in individuals affected with MEF2C-related conditions. ClinVar contains an entry for this variant (Variation ID: 1000694). Advanced modeling of protein sequence and biophysical properties (such as structural, functional, and spatial information, amino acid conservation, physicochemical variation, residue mobility, and thermodynamic stability) performed at Invitae indicates that this missense variant is not expected to disrupt MEF2C protein function with a negative predictive value of 80%. In summary, the available evidence is currently insufficient to determine the role of this variant in disease. Therefore, it has been classified as a Variant of Uncertain Significance.

Ambry Genetics
Classification: Uncertain significance for Inborn genetic diseases. Last evaluated: 2023-06-07. Review status: criteria provided, single submitter. Criteria: Ambry Variant Classification Scheme 2023. Collection method: clinical testing. Allele origin: germline.

GeneDx
Classification: Uncertain significance. Last evaluated: 2021-11-18. Review status: criteria provided, single submitter. Criteria: GeneDx Variant Classification Process June 2021. Collection method: clinical testing. Allele origin: germline. Affected: yes.
Comment: Not observed at significant frequency in large population cohorts (Lek et al., 2016); In silico analysis supports that this missense variant does not alter protein structure/function; Has not been previously published as pathogenic or benign to our knowledge

NM_002397.5(MEF2C):c.34A>G (p.Met12Val)

Gene: MEF2C (myocyte enhancer factor 2C; minus strand). Cytogenetic location: 5q14.3.
Variant type: single nucleotide variant.
Coding change: c.34A>G on transcript NM_002397.5 (MANE Select); coding-DNA position 34, A replaced by G.
Protein change: p.Met12Val; replaces methionine 12 with valine.
Molecular consequence: missense variant.
Genome position (GRCh38, 1-based): chr5:88,823,755, T>C on the plus strand (A>G on the coding strand, the complement: MEF2C is on the minus strand). VCF-style: chr5-88823755-T-C. GRCh37 (hg19) VCF-style: chr5-88119572-T-C.
Other names: c.34A>G, p.Met12Val (NM_001131005.2, NM_001193347.1, NM_001193348.1 and 29 more transcripts); c.34A>G (NM_002397.4); short protein forms M12V.
Identifiers: ClinVar variation 1000694 (VCV001000694.12), dbSNP rs965091526, ClinGen allele CA122618651.